The following is an entry in ClinVar:

NM_000124.4(ERCC6):c.3111AAG[1] (p.Arg1039del)

Gene: ERCC6 (ERCC excision repair 6, chromatin remodeling factor; minus strand). Cytogenetic location: 10q11.23.
Variant type: Microsatellite.
Coding change: c.3111AAG[1] on transcript NM_000124.4 (MANE Select); one copy of the 3-base unit AAG starting at c.3111; the reference has two copies in a row; one copy, 3 bases deleted.
Protein change: p.Arg1039del; deletes arginine 1039.
Molecular consequence: inframe deletion.
Genome position (GRCh38, 1-based): chr10:49,470,844-49,470,846, CTT deleted on the plus strand (AAG on the coding strand, the reverse complement: ERCC6 is on the minus strand); deleting any 3 consecutive bases within chr10:49,470,844-49,470,849 gives the same sequence; the position shown is the placement nearest the transcript's 3' end. VCF-style (leftmost placement, unchanged base first): chr10-49470843-CCTT-C. GRCh37 (hg19) VCF-style: chr10-50678889-CCTT-C.
Other names: c.3111AAG[1], p.Arg1039del (NM_001346440.2); short protein forms R1039del.
Identifiers: ClinVar variation 556537 (VCV000556537.4), dbSNP rs1342267719, ClinGen allele CA593780451.

ClinVar aggregate classification (germline): Uncertain significance. Review status: criteria provided, single submitter (1 of 4 stars). 2 submissions from 2 submitters: Uncertain significance (1). 1 of the submissions does not count toward it. Last evaluated 2022-10-19.

Conditions:
DE SANCTIS-CACCHIONE SYNDROME. Identifiers: MedGen C0265201, MONDO:0010217, OMIM 278800.
Cockayne syndrome type 2 (CSB). Also called: Cockayne Syndrome, Type II; COCKAYNE SYNDROME B. Identifiers: Orphanet 191, Orphanet 90322, MedGen C0751038, MONDO:0019570, OMIM 133540.
Cerebrooculofacioskeletal syndrome 1 (COFS1). Also called: Cerebro-oculo-facio-skeletal syndrome 1. Identifiers: MedGen C0220722, MONDO:0008955, OMIM 214150.

Submissions (2):

Labcorp Genetics (formerly Invitae), Labcorp
Classification: Uncertain significance. Last evaluated: 2022-10-19. Review status: criteria provided, single submitter. Criteria: Invitae Variant Classification Sherloc (09022015). Collection method: clinical testing. Allele origin: germline.
Comment: This variant, c.3114_3116del, results in the deletion of 1 amino acid(s) of the ERCC6 protein (p.Arg1039del), but otherwise preserves the integrity of the reading frame. This variant is present in population databases (no rsID available, gnomAD 0.003%). This variant has not been reported in the literature in individuals affected with ERCC6-related conditions. Experimental studies and prediction algorithms are not available or were not evaluated, and the functional significance of this variant is currently unknown. In summary, the available evidence is currently insufficient to determine the role of this variant in disease. Therefore, it has been classified as a Variant of Uncertain Significance.

Counsyl
Classification: Uncertain significance for Cockayne syndrome type 2; Cerebrooculofacioskeletal syndrome 1; DE SANCTIS-CACCHIONE SYNDROME. Last evaluated: 2018-02-06. Review status: no assertion criteria provided. Collection method: clinical testing. Allele origin: unknown. Not counted in ClinVar's aggregate classification.